The following is an entry in ClinVar:

NC_000004.11:g.(?_651219)_(652826_?)del

Gene: PDE6B (phosphodiesterase 6B; plus strand). Cytogenetic location: 4p16.3.
Variant type: Deletion.
Identifiers: ClinVar variation 2422810 (VCV002422810.4).

ClinVar aggregate classification (germline): Likely pathogenic (1 of 4 stars; one submission).

Submission:

Labcorp Genetics (formerly Invitae), Labcorp
Classification: Likely pathogenic. Last evaluated: 2022-02-23. Review status: criteria provided, single submitter. Criteria: Invitae Variant Classification Sherloc (09022015). Collection method: clinical testing. Allele origin: germline.
Comment: In summary, the currently available evidence indicates that the variant is pathogenic, but additional data are needed to prove that conclusively. Therefore, this variant has been classified as Likely Pathogenic. This variant has not been reported in the literature in individuals affected with PDE6B-related conditions. This sequence change is a complex rearrangement that results in the deletion of part of exon 10 and exon 11 of the PDE6B gene. There is also some indication that the surrounding sequence could be disrupted, but the exact nature of this event is unknown. While the exact nature of this event is unknown, it is expected to lead to a disrupted protein product and loss-of-function variants in PDE6B are known to be pathogenic (PMID: 8394174, 8595886, 22334370).

Literature cited by the submitters: PubMed 8394174; PubMed 8595886; PubMed 22334370.